The following is an entry in ClinVar:

ClinVar aggregate classification (germline): Uncertain significance (1 of 4 stars; one submission).

Submission:

GeneDx
Classification: Uncertain significance. Last evaluated: 2022-06-15. Review status: criteria provided, single submitter. Criteria: GeneDx Variant Classification Process June 2021. Collection method: clinical testing. Allele origin: germline. Affected: yes.
Comment: Not observed at significant frequency in large population cohorts (gnomAD); Frameshift variant predicted to result in protein truncation or nonsense mediated decay in a gene or region of a gene for which loss of function is not a well-established mechanism of disease; Has not been previously published as pathogenic or benign to our knowledge

NM_001387430.1(SH2B1):c.197_198del (p.Arg66fs)

Gene: SH2B1 (SH2B adaptor protein 1; plus strand). Cytogenetic location: 16p11.2.
Variant type: Deletion.
Coding change: c.197_198del on transcript NM_001387430.1 (MANE Select); coding-DNA positions 197 to 198, 2 bases deleted (GC; older notation c.197_198delGC).
Protein change: p.Arg66fs; shifts the reading frame from arginine 66.
Molecular consequence: frameshift variant. On other transcripts: intron variant (1).
Genome position (GRCh38, 1-based): chr16:28,866,291-28,866,292, GC deleted; deleting any 2 consecutive bases within chr16:28,866,290-28,866,292 gives the same sequence; the c. name uses the placement nearest the transcript's 3' end. VCF-style (leftmost placement, unchanged base first): chr16-28866289-CCG-C. GRCh37 (hg19) VCF-style: chr16-28877610-CCG-C.
Other names: c.197_198del, p.Arg66fs (NM_001145795.2, NM_001145796.2, NM_001145797.2 and 4 more transcripts); c.-26-1083_-26-1082del (NM_001308294.2); short protein forms R66fs.
Identifiers: ClinVar variation 1804321 (VCV001804321.1), dbSNP rs2544867549, ClinGen allele CA2580091426.
Genomic context (GRCh38, chr16:28,866,289, plus strand): 5'-TCGCCTCTACCTGGCCTCCCACCCCCAATATGCGGGGCCCGGGGCCGAGGCTGCCTTCTC[CCG>C]CCGTTTTGCTGAGCTCTTCCTGCAGCACTTTGAAGCCGAGGTGGCCCGGGCCTCTGGCTC-3'